The following is an entry in ClinVar:

NM_001711.6(BGN):c.383A>T (p.Lys128Met)

Gene: BGN (biglycan; plus strand). Cytogenetic location: Xq28.
Variant type: single nucleotide variant.
Coding change: c.383A>T on transcript NM_001711.6 (MANE Select); coding-DNA position 383, A replaced by T.
Protein change: p.Lys128Met; replaces lysine 128 with methionine.
Molecular consequence: missense variant.
Genome position (GRCh38, 1-based): chrX:153,505,894, A>T. VCF-style: chrX-153505894-A-T. GRCh37 (hg19) VCF-style: chrX-152771352-A-T.
Other names: short protein forms K128M.
Identifiers: ClinVar variation 1735409 (VCV001735409.8), dbSNP rs782473084, ClinGen allele CA10547233.

ClinVar aggregate classification (germline): Conflicting classifications of pathogenicity. Review status: criteria provided, conflicting classifications (1 of 4 stars). 2 submissions from 2 submitters: Uncertain significance (1); Likely benign (1). Last evaluated 2025-10-10.

Conditions:
Cardiovascular phenotype. Identifiers: MedGen CN230736.

Allele frequency attached by ClinVar (database versions not stated): gnomAD 0.00003; gnomAD exomes 0.00006; TOPMed 0.00006; ExAC 0.00013.
gnomAD v4.1: 30 of 1,210,040 alleles (0.0025%); highest among the groups gnomAD compares: Admixed American, 0.065%; no homozygotes.

Submissions (2):

Labcorp Genetics (formerly Invitae), Labcorp
Classification: Likely benign. Last evaluated: 2025-10-10. Review status: criteria provided, single submitter. Criteria: Invitae Variant Classification Sherloc (09022015). Collection method: clinical testing. Allele origin: germline.

Ambry Genetics
Classification: Uncertain significance for Cardiovascular phenotype. Last evaluated: 2024-07-14. Review status: criteria provided, single submitter. Criteria: Ambry Variant Classification Scheme 2023. Collection method: clinical testing. Allele origin: germline.
Comment: The p.K128M variant (also known as c.383A>T), located in coding exon 3 of the BGN gene, results from an A to T substitution at nucleotide position 383. The lysine at codon 128 is replaced by methionine, an amino acid with similar properties. This amino acid position is conserved. In addition, the in silico prediction for this alteration is inconclusive. Since supporting evidence is limited at this time, the clinical significance of this alteration remains unclear.